The following is an entry in ClinVar:

ClinVar aggregate classification (germline): Uncertain significance (1 of 4 stars; one submission).

Conditions:
Wilms tumor 1 (WT1). Also called: Wilms tumor, somatic. Identifiers: Orphanet 654, MedGen CN033288, MONDO:0008679, OMIM 194070.

Submission:

Labcorp Genetics (formerly Invitae), Labcorp
Classification: Uncertain significance for Wilms tumor 1. Last evaluated: 2022-08-10. Review status: criteria provided, single submitter. Criteria: Invitae Variant Classification Sherloc (09022015). Collection method: clinical testing. Allele origin: germline.
Comment: In summary, the available evidence is currently insufficient to determine the role of this variant in disease. Therefore, it has been classified as a Variant of Uncertain Significance. Experimental studies and prediction algorithms are not available or were not evaluated, and the functional significance of this variant is currently unknown. This variant has not been reported in the literature in individuals affected with GPC3-related conditions. This variant is a gross deletion of the genomic region encompassing exon(s) 4-6 of the GPC3 gene. This variant would be expected to be in-frame, preserving the integrity of the reading frame.

NC_000023.10:g.(?_132795748)_(132834066_?)del

Gene: GPC3 (glypican 3; minus strand). Cytogenetic location: Xq26.2.
Variant type: Deletion.
Identifiers: ClinVar variation 2425129 (VCV002425129.6).